The following is an entry in ClinVar:

NM_004415.4(DSP):c.193C>T (p.His65Tyr)

Gene: DSP (desmoplakin; plus strand). Cytogenetic location: 6p24.3.
Variant type: single nucleotide variant.
Coding change: c.193C>T on transcript NM_004415.4 (MANE Select); coding-DNA position 193, C replaced by T.
Protein change: p.His65Tyr; replaces histidine 65 with tyrosine.
Molecular consequence: missense variant.
Genome position (GRCh38, 1-based): chr6:7,555,740, C>T. VCF-style: chr6-7555740-C-T. GRCh37 (hg19) VCF-style: chr6-7555973-C-T.
Other names: c.193C>T, p.His65Tyr (NM_001008844.3, NM_001319034.2); short protein forms H65Y.
Identifiers: ClinVar variation 487612 (VCV000487612.3), dbSNP rs1554105605, ClinGen allele CA362670656.

ClinVar aggregate classification (germline): Uncertain significance. Review status: criteria provided, multiple submitters, no conflicts (2 of 4 stars). 3 submissions from 3 submitters: Uncertain significance (2). 1 of the submissions does not count toward it. Last evaluated 2025-09-10.

Conditions:
Arrhythmogenic right ventricular dysplasia 8 (ARVD8). Also called: Arrhythmogenic Right Ventricular Dysplasia/Cardiomyopathy 8; ARRHYTHMOGENIC RIGHT VENTRICULAR DYSPLASIA, FAMILIAL, 8; ARRHYTHMOGENIC RIGHT VENTRICULAR CARDIOMYOPATHY 8. Identifiers: MedGen C1843896, MONDO:0011831, OMIM 607450.
Arrhythmogenic cardiomyopathy with wooly hair and keratoderma. Also called: Carvajal syndrome; Arrhythmogenic cardiomyopathy with woolly hair and keratoderma; Dilated cardiomyopathy with woolly hair and keratoderma; PALMOPLANTAR KERATODERMA WITH LEFT VENTRICULAR CARDIOMYOPATHY AND WOOLLY HAIR. Identifiers: Orphanet 65282, MedGen C1854063, MONDO:0011581, OMIM 605676.
Wolff-Parkinson-White pattern. Also called: Auriculoventricular accessory pathway syndrome; False bundle branch block syndrome; Anomalous ventricular excitation syndrome; WPW SYNDROME. Identifiers: MedGen C0043202, MONDO:0008685, OMIM 194200, HP:0001716.

Allele frequency attached by ClinVar (database versions not stated): gnomAD exomes below 0.00001.
gnomAD v4.1: 6 of 1,614,228 alleles (0.00037%); highest among the groups gnomAD compares: Non-Finnish European, 0.00051%; no homozygotes.

Submissions (3):

Labcorp Genetics (formerly Invitae), Labcorp
Classification: Uncertain significance for Arrhythmogenic cardiomyopathy with wooly hair and keratoderma; Arrhythmogenic right ventricular dysplasia 8. Last evaluated: 2025-09-10. Review status: criteria provided, single submitter. Criteria: Invitae Variant Classification Sherloc (09022015). Collection method: clinical testing. Allele origin: germline.
Comment: This sequence change replaces histidine, which is basic and polar, with tyrosine, which is neutral and polar, at codon 65 of the DSP protein (p.His65Tyr). This variant is not present in population databases (gnomAD no frequency). This variant has not been reported in the literature in individuals affected with DSP-related conditions. ClinVar contains an entry for this variant (Variation ID: 487612). An algorithm developed to predict the effect of missense changes on protein structure and function (PolyPhen-2) suggests that this variant is likely to be tolerated. In summary, the available evidence is currently insufficient to determine the role of this variant in disease. Therefore, it has been classified as a Variant of Uncertain Significance.

Blueprint Genetics
Classification: Uncertain significance. Last evaluated: 2022-09-14. Review status: criteria provided, single submitter. Criteria: ACMG Guidelines, 2015. Collection method: clinical testing. Allele origin: germline.

Lupski Lab, Baylor-Hopkins CMG, Baylor College of Medicine
Classification: Uncertain significance for Wolff-Parkinson-White pattern. Last evaluated: 2017-07-14. Review status: no assertion criteria provided. Collection method: research. Allele origin: inherited. Affected: yes. Observed: 1 variant allele. Study: Candidate_variants_in_patients_with_ Wolff-Parkinson-White Syndrome. Not counted in ClinVar's aggregate classification.